The following is an entry in ClinVar:

NM_002485.5(NBN):c.-40C>T

Gene: NBN (nibrin; minus strand). Cytogenetic location: 8q21.3.
Variant type: single nucleotide variant.
Coding change: c.-40C>T on transcript NM_002485.5 (MANE Select); 40 bases upstream of the start codon, C replaced by T.
Molecular consequence: 5 prime UTR variant.
Genome position (GRCh38, 1-based): chr8:89,984,601, G>A on the plus strand (C>T on the coding strand, the complement: NBN is on the minus strand). VCF-style: chr8-89984601-G-A. GRCh37 (hg19) VCF-style: chr8-90996829-G-A.
Other names: c.-336C>T (NM_001024688.3).
Identifiers: ClinVar variation 182711 (VCV000182711.3), dbSNP rs730881843, ClinGen allele CA299591.

ClinVar aggregate classification (germline): Likely benign (1 of 4 stars; one submission).

Allele frequency attached by ClinVar (database versions not stated): TOPMed 0.00001.
gnomAD v4.1: 7 of 1,610,644 alleles (0.00043%); highest among the groups gnomAD compares: Non-Finnish European, 0.00059%; no homozygotes.

Submissions (2):

GeneDx
Classification: Likely benign. Last evaluated: 2017-06-01. Review status: criteria provided, single submitter. Criteria: GeneDx Variant Classification (06012015). Collection method: clinical testing. Allele origin: germline. Affected: yes.
Comment: This variant is considered likely benign or benign based on one or more of the following criteria: it is a conservative change, it occurs at a poorly conserved position in the protein, it is predicted to be benign by multiple in silico algorithms, and/or has population frequency not consistent with disease.

Seelig Lab, University of Washington
No classification provided (evidence only). Review status: no classification provided. Collection method: in vitro. Allele origin: not applicable. Functional consequence: effect on translation. Not counted in ClinVar's aggregate classification.
ClinVar note: "not provided" was previously submitted as the classification for the variant. However, the classification appeared to be based only on an observation of functional data so it was converted to no classification on 2025-07-30.